The following is an entry in ClinVar:

NM_000525.4(KCNJ11):c.148C>G (p.Arg50Gly)

Gene: KCNJ11 (potassium inwardly rectifying channel subfamily J member 11; minus strand). Cytogenetic location: 11p15.1.
Variant type: single nucleotide variant.
Coding change: c.148C>G on transcript NM_000525.4 (MANE Select); coding-DNA position 148, C replaced by G.
Protein change: p.Arg50Gly; replaces arginine 50 with glycine.
Molecular consequence: missense variant. On other transcripts: intron variant (3).
Genome position (GRCh38, 1-based): chr11:17,387,944, G>C on the plus strand (C>G on the coding strand, the complement: KCNJ11 is on the minus strand). VCF-style: chr11-17387944-G-C. GRCh37 (hg19) VCF-style: chr11-17409491-G-C.
Other names: c.-16-98C>G (NM_001166290.2, NM_001377297.1); c.-17+74C>G (NM_001377296.1); short protein forms R50G.
Identifiers: ClinVar variation 2137003 (VCV002137003.4), dbSNP rs1221366142, ClinGen allele CA379776373.

ClinVar aggregate classification (germline): Pathogenic (1 of 4 stars; one submission).

Submission:

Labcorp Genetics (formerly Invitae), Labcorp
Classification: Pathogenic. Last evaluated: 2022-01-28. Review status: criteria provided, single submitter. Criteria: Invitae Variant Classification Sherloc (09022015). Collection method: clinical testing. Allele origin: germline.
Comment: This sequence change replaces arginine, which is basic and polar, with glycine, which is neutral and non-polar, at codon 50 of the KCNJ11 protein (p.Arg50Gly). This variant is not present in population databases (gnomAD no frequency). This missense change has been observed in individuals with autosomal dominant neonatal diabetes mellitus (PMID: 17635943; Invitae). Algorithms developed to predict the effect of missense changes on protein structure and function are either unavailable or do not agree on the potential impact of this missense change (SIFT: "Deleterious"; PolyPhen-2: "Probably Damaging"; Align-GVGD: "Class C0"). Experimental studies have shown that this missense change affects KCNJ11 function (PMID: 9628866, 9933580, 10993895, 12524280, 12883317). This variant disrupts the p.Arg50 amino acid residue in KCNJ11. Other variant(s) that disrupt this residue have been determined to be pathogenic (PMID: 16731833, 17635943, 22749773, 32893419, 33409956). This suggests that this residue is clinically significant, and that variants that disrupt this residue are likely to be disease-causing. For these reasons, this variant has been classified as Pathogenic.

Literature cited by the submitters: PubMed 17635943; PubMed 9628866; PubMed 9933580; PubMed 10993895; PubMed 12524280; PubMed 12883317; PubMed 16731833; PubMed 22749773; PubMed 32893419; PubMed 33409956.